The following is an entry in ClinVar:

ClinVar aggregate classification (germline): Conflicting classifications of pathogenicity. Review status: criteria provided, conflicting classifications (1 of 4 stars). 5 submissions from 5 submitters: Uncertain significance (3); Likely benign (2). Last evaluated 2026-05-11.

Conditions:
Breast-ovarian cancer, familial, susceptibility to, 2 (BROVCA2). Also called: BRCA2 Hereditary Breast and Ovarian Cancer. Identifiers: Orphanet 145, MedGen C2675520, MONDO:0012933, OMIM 612555. Disease mechanism: loss of function.
Hereditary cancer-predisposing syndrome. Also called: Tumor predisposition; Hereditary Cancer Syndrome; Hereditary neoplastic syndrome; Neoplastic Syndromes, Hereditary. Identifiers: Orphanet 140162, MedGen C0027672, MeSH D009386, MONDO:0015356.
Hereditary breast ovarian cancer syndrome. Also called: Hereditary breast and ovarian cancer; Hereditary breast and/or ovarian cancer syndrome; Hereditary breast and ovarian cancer syndrome; Breast and ovarian cancer; BRCA1- and BRCA2-Associated Hereditary Breast and Ovarian Cancer; Hereditary breast and ovarian cancer syndrome (HBOC). Identifiers: Orphanet 145, MedGen C0677776, MeSH D061325, MONDO:0003582. Disease mechanism: loss of function.

gnomAD v4.1: 1 of 1,613,950 alleles (0.000062%); highest among the groups gnomAD compares: Non-Finnish European, 0.000085%; no homozygotes.

Submissions (5):

Myriad Genetics, Inc.
Classification: Likely benign for Breast-ovarian cancer, familial, susceptibility to, 2. Last evaluated: 2026-05-11. Review status: criteria provided, single submitter. Criteria: Myriad Autosomal Dominant, Autosomal Recessive and X-Linked Classification Criteria (2023). Collection method: clinical testing. Allele origin: unknown.
Comment: This variant is considered likely benign. This variant is strongly associated with less severe personal and family histories of cancer, typical for individuals without pathogenic variants in this gene [PMID: 25085752].

Labcorp Genetics (formerly Invitae), Labcorp
Classification: Uncertain significance for Hereditary breast ovarian cancer syndrome. Last evaluated: 2026-01-27. Review status: criteria provided, single submitter. Criteria: Invitae Variant Classification Sherloc (09022015). Collection method: clinical testing. Allele origin: germline.
Comment: This sequence change replaces alanine, which is neutral and non-polar, with glycine, which is neutral and non-polar, at codon 1572 of the BRCA2 protein (p.Ala1572Gly). This variant is not present in population databases (gnomAD no frequency). This missense change has been observed in individual(s) with ovarian cancer (PMID: 25036526). ClinVar contains an entry for this variant (Variation ID: 840557). Invitae Evidence Modeling of protein sequence and biophysical properties (such as structural, functional, and spatial information, amino acid conservation, physicochemical variation, residue mobility, and thermodynamic stability) indicates that this missense variant is not expected to disrupt BRCA2 protein function with a negative predictive value of 95%. In summary, the available evidence is currently insufficient to determine the role of this variant in disease. Therefore, it has been classified as a Variant of Uncertain Significance.

Quest Diagnostics Nichols Institute San Juan Capistrano
Classification: Uncertain significance. Last evaluated: 2025-01-30. Review status: criteria provided, single submitter. Criteria: Quest Diagnostics criteria. Collection method: clinical testing. Allele origin: unknown.
Comment: The BRCA2 c.4715C>G (p.Ala1572Gly) variant has been reported in the published literature in individuals affected with breast and/or ovarian cancer (PMIDs: 25036526 (2014), 33471991 (2021), see also LOVD). This variant has not been reported in large, multi-ethnic general populations (Genome Aggregation Database). Analysis of this variant using bioinformatics tools for the prediction of the effect of amino acid changes on protein structure and function yielded predictions that this variant is benign. Based on the available information, we are unable to determine the clinical significance of this variant.

Ambry Genetics
Classification: Uncertain significance for Hereditary cancer-predisposing syndrome. Last evaluated: 2024-08-03. Review status: criteria provided, single submitter. Criteria: Ambry Variant Classification Scheme 2023. Collection method: clinical testing. Allele origin: germline.
Comment: The p.A1572G variant (also known as c.4715C>G), located in coding exon 10 of the BRCA2 gene, results from a C to G substitution at nucleotide position 4715. The alanine at codon 1572 is replaced by glycine, an amino acid with similar properties. This alteration was identified in an individual diagnosed with ovarian cancer (Gleicher N et al. PLoS One, 2014 Jul;9:e102370). This amino acid position is poorly conserved in available vertebrate species. In addition, this alteration is predicted to be tolerated by in silico analysis. Since supporting evidence is limited at this time, the clinical significance of this alteration remains unclear.

University of Washington Department of Laboratory Medicine, University of Washington
Classification: Likely benign for Hereditary cancer-predisposing syndrome. Last evaluated: 2023-03-23. Review status: criteria provided, single submitter. Criteria: Dines et al. (Genet Med. 2020). Collection method: curation. Allele origin: germline.
Comment: Missense variant in a coldspot region where missense variants are very unlikely to be pathogenic (PMID:31911673).

BRCA2 exon 11 coldspot. Reclassification based on statistical prior probability.

Literature cited by the submitters: PubMed 25085752 (cited by Myriad Genetics, Inc.); PubMed 25036526 (cited by 3 submitters); PubMed 29884841 (cited by Quest Diagnostics Nichols Institute San Juan Capistrano); PubMed 35585550 (cited by Quest Diagnostics Nichols Institute San Juan Capistrano).

NM_000059.4(BRCA2):c.4715C>G (p.Ala1572Gly)

Gene: BRCA2 (BRCA2 DNA repair associated; plus strand). Cytogenetic location: 13q13.1.
Variant type: single nucleotide variant.
Coding change: c.4715C>G on transcript NM_000059.4 (MANE Select); coding-DNA position 4715, C replaced by G.
Protein change: p.Ala1572Gly; replaces alanine 1572 with glycine.
Molecular consequence: missense variant.
Genome position (GRCh38, 1-based): chr13:32,339,070, C>G. VCF-style: chr13-32339070-C-G. GRCh37 (hg19) VCF-style: chr13-32913207-C-G.
Other names: short protein forms A1572G.
Identifiers: ClinVar variation 840557 (VCV000840557.14), dbSNP rs2072511378, ClinGen allele CA387782956.